The following is an entry in ClinVar:

ClinVar aggregate classification (germline): Uncertain significance (1 of 4 stars; one submission).

Submission:

Labcorp Genetics (formerly Invitae), Labcorp
Classification: Uncertain significance. Last evaluated: 2022-10-14. Review status: criteria provided, single submitter. Criteria: Invitae Variant Classification Sherloc (09022015). Collection method: clinical testing. Allele origin: germline.
Comment: In summary, the available evidence is currently insufficient to determine the role of this variant in disease. Therefore, it has been classified as a Variant of Uncertain Significance. Algorithms developed to predict the effect of sequence changes on RNA splicing suggest that this variant may disrupt the consensus splice site. This variant has not been reported in the literature in individuals affected with TNNI3K-related conditions. This variant is not present in population databases (gnomAD no frequency). This sequence change falls in intron 14 of the TNNI3K gene. It does not directly change the encoded amino acid sequence of the TNNI3K protein.

NM_015978.3(TNNI3K):c.1415-6T>G

Genes: FPGT-TNNI3K (FPGT-TNNI3K readthrough; plus strand), TNNI3K (TNNI3 interacting kinase; plus strand). Cytogenetic location: 1p31.1.
Variant type: single nucleotide variant.
Coding change: c.1415-6T>G on transcript NM_015978.3 (MANE Select); 6 bases into the intron before coding-DNA position 1415, T replaced by G.
Molecular consequence: intron variant.
Genome position (GRCh38, 1-based): chr1:74,369,201, T>G. VCF-style: chr1-74369201-T-G. GRCh37 (hg19) VCF-style: chr1-74834885-T-G.
Other names: c.1718-6T>G (NM_001112808.3, NM_001199327.2).
Identifiers: ClinVar variation 2019664 (VCV002019664.4), dbSNP rs1160047645, ClinGen allele CA2580063222.
Genomic context (GRCh38, chr1:74,369,201, plus strand): 5'-AGGTCCGGTTTAGTTGAATGAGCTTAAGTTAATATGTGTTTATTTATTTATTTTAAACAA[T>G]TGTAGGTTCTTTTGGGAAAGTATATAAAGGACGATGCAGAAATAAAATAGTGGCTATAAA-3'